The following is an entry in ClinVar:

NM_001042492.3(NF1):c.7431C>G (p.Pro2477=)

Gene: NF1 (neurofibromin 1; plus strand). Cytogenetic location: 17q11.2.
Variant type: single nucleotide variant.
Coding change: c.7431C>G on transcript NM_001042492.3 (MANE Select); coding-DNA position 7431, C replaced by G.
Protein change: p.Pro2477=; no amino-acid change (proline 2477 retained).
Molecular consequence: synonymous variant.
Genome position (GRCh38, 1-based): chr17:31,350,292, C>G. VCF-style: chr17-31350292-C-G. GRCh37 (hg19) VCF-style: chr17-29677310-C-G.
Other names: c.7368C>G, p.Pro2456= (NM_000267.4).
Identifiers: ClinVar variation 5042313 (VCV005042313.1).

ClinVar aggregate classification (germline): Benign (1 of 4 stars; one submission).

Conditions:
Neurofibromatosis, type 1 (NF1). Also called: VON RECKLINGHAUSEN DISEASE; NEUROFIBROMATOSIS, TYPE I, SOMATIC; Peripheral type neurofibromatosis; Neurofibromatosis, type I. Identifiers: Orphanet 636, MedGen C0027831, MONDO:0018975, OMIM 162200. Disease mechanism: loss of function.

Submission:

Myriad Genetics, Inc.
Classification: Benign for Neurofibromatosis, type 1. Last evaluated: 2026-09-29. Review status: criteria provided, single submitter. Criteria: Myriad Autosomal Dominant, Autosomal Recessive and X-Linked Classification Criteria (2023). Collection method: clinical testing. Allele origin: unknown.
Comment: This variant is considered benign. This variant is a silent/synonymous amino acid change and it is not expected to impact splicing.